The following is an entry in ClinVar:

ClinVar aggregate classification (germline): Conflicting classifications of pathogenicity. Review status: criteria provided, conflicting classifications (1 of 4 stars). 4 submissions from 4 submitters: Uncertain significance (1); Likely benign (3). Last evaluated 2026-01-26.

Submissions (4):

Labcorp Genetics (formerly Invitae), Labcorp
Classification: Likely benign. Last evaluated: 2026-01-26. Review status: criteria provided, single submitter. Criteria: Invitae Variant Classification Sherloc (09022015). Collection method: clinical testing. Allele origin: germline.

Blueprint Genetics
Classification: Likely benign. Last evaluated: 2024-10-21. Review status: criteria provided, single submitter. Criteria: ACMG Guidelines, 2015. Collection method: clinical testing. Allele origin: germline.

Women's Health and Genetics/Laboratory Corporation of America, LabCorp
Classification: Likely benign. Last evaluated: 2024-06-12. Review status: criteria provided, single submitter. Criteria: LabCorp Variant Classification Summary - May 2015. Collection method: clinical testing. Allele origin: germline.
Comment: Variant summary: COL18A1 c.1800_1808delTGGGCCCCC (p.Pro603_Pro605del) results in an in-frame deletion in a repetitive region removing 3 amino acids (i.e. one Pro-Gly-Pro unit) from four consecutive PGP repeats. The variant allele was found at a frequency of 0.00053 in 1,486,532 control chromosomes in the gnomAD database (v4.1 dataset) including 5 homozygotes, and was predominantly reported within the East Asian subpopulation at a frequency of 0.0068. In addition, the variant was reported with similarly high allele frequency (0.0055) in Chinese control individuals (ChinaMAP database [PMID: 32355288]; zygosity is not specified in this dataset). To our knowledge, no occurrence of c.1800_1808delTGGGCCCCC in individuals affected with Knobloch Syndrome 1 and no experimental evidence demonstrating its impact on protein function have been reported. ClinVar contains an entry for this variant (Variation ID: 447115). Based on the evidence outlined above, the variant was classified as likely benign.

Athena Diagnostics
Classification: Uncertain significance. Last evaluated: 2016-10-17. Review status: criteria provided, single submitter. Criteria: Athena Diagnostics Criteria. Collection method: clinical testing. Allele origin: germline.

NM_001379500.1(COL18A1):c.1791TGGGCCCCC[1] (p.594PGP[3])

Gene: COL18A1 (collagen type XVIII alpha 1 chain; plus strand). Cytogenetic location: 21q22.3.
Variant type: Microsatellite.
Coding change: c.1791TGGGCCCCC[1] on transcript NM_001379500.1 (MANE Select); one copy of the 9-base unit TGGGCCCCC starting at c.1791; the reference has two copies in a row; one copy, 9 bases deleted.
Protein change: p.594PGP[3].
Molecular consequence: inframe deletion.
Genome position (GRCh38, 1-based): chr21:45,486,959-45,486,967, TGGGCCCCC deleted; deleting any 9 consecutive bases within chr21:45,486,945-45,486,967 gives the same sequence; the position shown is the placement nearest the transcript's 3' end. VCF-style (leftmost placement, unchanged base first): chr21-45486944-CCCCCCTGGG-C. GRCh37 (hg19) VCF-style: chr21-46906858-CCCCCCTGGG-C.
Other names: c.1800_1808delTGGGCCCCC (NM_001379500.1); c.2331TGGGCCCCC[1], p.774PGP[3] (NM_030582.4); c.3036TGGGCCCCC[1], p.1009PGP[3] (NM_130444.3).
Identifiers: ClinVar variation 447115 (VCV000447115.11), dbSNP rs764710670, ClinGen allele CA10066536.
Genomic context (GRCh38, chr21:45,486,944, plus strand): 5'-TGCTGGTGCTCGTGGGGAGAGCGGCCTGGCAGGAGCCCCCGGACCTGCTGGACCACCAGG[CCCCCCTGGG>C]CCCCCTGGGCCCCCAGGACCAGGACTCCCCGCTGGATTTGTGAGTACCGCCTACACCTGA-3'